The following is an entry in ClinVar:

ClinVar aggregate classification (germline): Likely pathogenic (1 of 4 stars; one submission).

Submission:

GeneDx
Classification: Likely pathogenic. Last evaluated: 2017-12-13. Review status: criteria provided, single submitter. Criteria: GeneDx Variant Classification Process June 2021. Collection method: clinical testing. Allele origin: germline. Affected: yes.
Comment: Not observed in large population cohorts (Lek et al., 2016); In silico analysis supports that this missense variant has a deleterious effect on protein structure/function; Has not been previously published as pathogenic or benign to our knowledge

NM_004984.4(KIF5A):c.608C>T (p.Ser203Phe)

Gene: KIF5A (kinesin family member 5A; plus strand). Cytogenetic location: 12q13.3.
Variant type: single nucleotide variant.
Coding change: c.608C>T on transcript NM_004984.4 (MANE Select); coding-DNA position 608, C replaced by T.
Protein change: p.Ser203Phe; replaces serine 203 with phenylalanine.
Molecular consequence: missense variant.
Genome position (GRCh38, 1-based): chr12:57,567,512, C>T. VCF-style: chr12-57567512-C-T. GRCh37 (hg19) VCF-style: chr12-57961295-C-T.
Other names: c.341C>T, p.Ser114Phe (NM_001354705.2); short protein forms S114F, S203F.
Identifiers: ClinVar variation 1187058 (VCV001187058.2), dbSNP rs2140161563, ClinGen allele CA385499046.